The following is an entry in ClinVar:

ClinVar aggregate classification (germline): Uncertain significance (1 of 4 stars; one submission).

Submission:

GeneDx
Classification: Uncertain significance. Last evaluated: 2019-07-30. Review status: criteria provided, single submitter. Criteria: GeneDx Variant Classification Process June 2021. Collection method: clinical testing. Allele origin: germline. Affected: yes.
Comment: Not observed in large population cohorts (Lek et al., 2016); In silico analysis, which includes protein predictors and evolutionary conservation, supports that this variant does not alter protein structure/function; Has not been previously published as pathogenic or benign to our knowledge

NM_152722.5(HEPACAM):c.935T>A (p.Ile312Asn)

Gene: HEPACAM (hepatic and glial cell adhesion molecule; minus strand). Cytogenetic location: 11q24.2.
Variant type: single nucleotide variant.
Coding change: c.935T>A on transcript NM_152722.5 (MANE Select); coding-DNA position 935, T replaced by A.
Protein change: p.Ile312Asn; replaces isoleucine 312 with asparagine.
Molecular consequence: missense variant.
Genome position (GRCh38, 1-based): chr11:124,922,401, A>T on the plus strand (T>A on the coding strand, the complement: HEPACAM is on the minus strand). VCF-style: chr11-124922401-A-T. GRCh37 (hg19) VCF-style: chr11-124792297-A-T.
Other names: short protein forms I312N.
Identifiers: ClinVar variation 1307251 (VCV001307251.2), dbSNP rs1947151537, ClinGen allele CA383138341.